The following is an entry in ClinVar:

NM_000540.3(RYR1):c.424+4C>A

Gene: RYR1 (ryanodine receptor 1; plus strand). Cytogenetic location: 19q13.2.
Variant type: single nucleotide variant.
Coding change: c.424+4C>A on transcript NM_000540.3 (MANE Select); 4 bases into the intron after coding-DNA position 424, C replaced by A.
Molecular consequence: intron variant.
Genome position (GRCh38, 1-based): chr19:38,443,800, C>A. VCF-style: chr19-38443800-C-A. GRCh37 (hg19) VCF-style: chr19-38934440-C-A.
Other names: c.424+4C>A (NM_001042723.2).
Identifiers: ClinVar variation 575635 (VCV000575635.17), dbSNP rs772775579, ClinGen allele CA065738.

ClinVar aggregate classification (germline): Uncertain significance. Review status: criteria provided, multiple submitters, no conflicts (2 of 4 stars). 4 submissions from 4 submitters: Uncertain significance (4). Last evaluated 2023-09-21.

Conditions:
Central core myopathy (CMYO1A). Also called: CONGENITAL MYOPATHY 1A, AUTOSOMAL DOMINANT, WITH SUSCEPTIBILITY TO MALIGNANT HYPERTHERMIA; Central core disease; Myopathy, central fibrillar. Identifiers: Orphanet 597, MedGen C5830701, MONDO:0007294, OMIM 117000.
King Denborough syndrome (KDS). Identifiers: MedGen C1840365, MONDO:0020485, OMIM 619542.
Malignant hyperthermia, susceptibility to, 1 (MHS1). Also called: Malignant hyperthermia suceptibility 1; RYR1-Related Malignant Hyperthermia Susceptibility; Anesthesia related hyperthermia; Malignant hyperpyrexia; Fulminating hyperpyrexia; Pharmacogenic myopathy. Identifiers: Orphanet 423, MedGen C2930980, MONDO:0007783, OMIM 145600.
Congenital multicore myopathy with external ophthalmoplegia (CMYO1B). Also called: Minicore myopathy with external ophthalmoplegia; MULTIMINICORE DISEASE WITH EXTERNAL OPHTHALMOPLEGIA; Congenital myopathy 1B, autosomal recessive; Minicore myopathy; MULTICORE MYOPATHY. Identifiers: Orphanet 598, Orphanet 98905, MedGen C1850674, MONDO:0009712, OMIM 255320, HP:0003789.
Congenital myopathy with fiber type disproportion. Also called: Congenital fiber-type disproportion; Congenital fiber-type disproportion myopathy. Identifiers: Orphanet 2020, MedGen C0546264, MONDO:0009711. Inheritance: all.
RYR1-related myopathy. Identifiers: Orphanet 98742, MedGen CN305348, MONDO:0100150.
RYR1-related disorder. Also called: RYR1-related disorders; RYR1-related condition. Identifiers: MedGen CN239331.

Allele frequency attached by ClinVar (database versions not stated): gnomAD 0.00002; gnomAD exomes 0.00002; TOPMed 0.00001; ExAC 0.00002.
gnomAD v4.1: 37 of 1,613,878 alleles (0.0023%); highest among the groups gnomAD compares: Non-Finnish European, 0.0031%; no homozygotes.

Submissions (4):

Color Diagnostics, LLC DBA Color Health
Classification: Uncertain significance for Malignant hyperthermia, susceptibility to, 1. Last evaluated: 2023-09-21. Review status: criteria provided, single submitter. Criteria: ACMG Guidelines, 2015. Collection method: clinical testing. Allele origin: germline.
Comment: This variant causes a C to A nucleotide substitution at the +4 position of intron 5 of the RYR1 gene. To our knowledge, functional studies have not been reported for this variant. This variant has not been reported in individuals affected with RYR1-related disorders in the literature. This variant has been identified in 4/251032 chromosomes in the general population by the Genome Aggregation Database (gnomAD). The available evidence is insufficient to determine the role of this variant in disease conclusively. Therefore, this variant is classified as a Variant of Uncertain Significance.

Broad Center for Mendelian Genomics, Broad Institute of MIT and Harvard
Classification: Uncertain significance for RYR1-related myopathy. Last evaluated: 2023-05-02. Review status: criteria provided, single submitter. Criteria: ACMG Guidelines, 2015. Collection method: curation. Allele origin: germline. Inheritance: Autosomal recessive inheritance.
Comment: The heterozygous c.424+4C>A variant in RYR1 was identified by our study, in the compound heterozygous state with a likely pathogenic variant (ClinVar Variation ID: 65996), in two siblings with congenital myopathy and ophthalmoplegia. Familial exome analysis revealed that this variant was in trans with a likely pathogenic variant (ClinVar Variation ID: 65996). The c.424+4C>A variant in RYR1 has not been previously reported in individuals with RYR1-related myopathy but has been identified in 0.004% (3/68006) of European (non-Finnish) chromosomes by the Genome Aggregation Database (gnomAD; dbSNP ID: rs772775579). Although this variant has been seen in the general population in a heterozygous state, its frequency is low enough to be consistent with a recessive carrier frequency. This variant has also been reported in ClinVar (Variation ID: 575635) and has been interpreted as a variant of uncertain significance by Invitae. This variant is located in the 5' splice region. Computational tools do not suggest an impact to splicing. However, this information is not predictive enough to rule out pathogenicity. In summary, the clinical significance of the c.424+4C>A variant is uncertain. ACMG/AMP Criteria applied: PM2_Supporting, PM3, BP4 (Richards 2015).

Labcorp Genetics (formerly Invitae), Labcorp
Classification: Uncertain significance for RYR1-related disorder. Last evaluated: 2022-08-16. Review status: criteria provided, single submitter. Criteria: Invitae Variant Classification Sherloc (09022015). Collection method: clinical testing. Allele origin: germline.
Comment: This sequence change falls in intron 5 of the RYR1 gene. It does not directly change the encoded amino acid sequence of the RYR1 protein. It affects a nucleotide within the consensus splice site. This variant is present in population databases (rs772775579, gnomAD 0.004%). This variant has not been reported in the literature in individuals affected with RYR1-related conditions. ClinVar contains an entry for this variant (Variation ID: 575635). Variants that disrupt the consensus splice site are a relatively common cause of aberrant splicing (PMID: 17576681, 9536098). Algorithms developed to predict the effect of sequence changes on RNA splicing suggest that this variant is not likely to affect RNA splicing. In summary, the available evidence is currently insufficient to determine the role of this variant in disease. Therefore, it has been classified as a Variant of Uncertain Significance.

Fulgent Genetics
Classification: Uncertain significance for Central core myopathy; Malignant hyperthermia, susceptibility to, 1; Congenital myopathy 4A, autosomal dominant; Congenital multicore myopathy with external ophthalmoplegia; King Denborough syndrome. Last evaluated: 2022-02-10. Review status: criteria provided, single submitter. Criteria: ACMG Guidelines, 2015. Collection method: clinical testing. Allele origin: unknown.

Literature cited by the submitters: PubMed 17576681 (cited by Labcorp Genetics (formerly Invitae), Labcorp); PubMed 9536098 (cited by Labcorp Genetics (formerly Invitae), Labcorp).